The following is an entry in ClinVar:

NM_001356.5(DDX3X):c.1912G>T (p.Gly638Cys)

Gene: DDX3X (DEAD-box helicase 3 X-linked; plus strand). Cytogenetic location: Xp11.4.
Variant type: single nucleotide variant.
Coding change: c.1912G>T on transcript NM_001356.5 (MANE Select); coding-DNA position 1912, G replaced by T.
Protein change: p.Gly638Cys; replaces glycine 638 with cysteine.
Molecular consequence: missense variant. On other transcripts: non-coding transcript variant (1).
Genome position (GRCh38, 1-based): chrX:41,347,642, G>T. VCF-style: chrX-41347642-G-T. GRCh37 (hg19) VCF-style: chrX-41206895-G-T.
Other names: c.1909G>T, p.Gly637Cys (NM_001193416.3); c.1864G>T, p.Gly622Cys (NM_001193417.3); c.1351G>T, p.Gly451Cys (NM_001363819.1); short protein forms G451C, G622C, G637C, G638C.
Identifiers: ClinVar variation 1717537 (VCV001717537.5), dbSNP rs2519528818, ClinGen allele CA412780710.

ClinVar aggregate classification (germline): Uncertain significance (1 of 4 stars; one submission).

Submission:

Labcorp Genetics (formerly Invitae), Labcorp
Classification: Uncertain significance. Last evaluated: 2025-02-10. Review status: criteria provided, single submitter. Criteria: Invitae Variant Classification Sherloc (09022015). Collection method: clinical testing. Allele origin: germline.
Comment: This sequence change replaces glycine, which is neutral and non-polar, with cysteine, which is neutral and slightly polar, at codon 637 of the DDX3X protein (p.Gly637Cys). This variant is not present in population databases (gnomAD no frequency). This variant has not been reported in the literature in individuals affected with DDX3X-related conditions. ClinVar contains an entry for this variant (Variation ID: 1717537). Experimental studies and prediction algorithms are not available or were not evaluated, and the functional significance of this variant is currently unknown. In summary, the available evidence is currently insufficient to determine the role of this variant in disease. Therefore, it has been classified as a Variant of Uncertain Significance.